The following is an entry in ClinVar:

ClinVar aggregate classification (germline): Likely benign. Review status: criteria provided, single submitter (1 of 4 stars). 2 submissions from 2 submitters: Likely benign (1). 1 of the submissions does not count toward it. Last evaluated 2023-07-21.

Conditions:
Rubinstein-Taybi syndrome (RSTS). Identifiers: Orphanet 783, MedGen C0035934, MONDO:0019188.
CREBBP-related disorder. Also called: CREBBP-related disorders; CREBBP-related condition.

Allele frequency attached by ClinVar (database versions not stated): ExAC 0.00001; gnomAD 0.00001; TOPMed 0.00001.
gnomAD v4.1: 40 of 1,613,854 alleles (0.0025%); highest among the groups gnomAD compares: Non-Finnish European, 0.0034%; no homozygotes.

Submissions (2):

Labcorp Genetics (formerly Invitae), Labcorp
Classification: Likely benign for Rubinstein-Taybi syndrome. Last evaluated: 2023-07-21. Review status: criteria provided, single submitter. Criteria: Invitae Variant Classification Sherloc (09022015). Collection method: clinical testing. Allele origin: germline.

PreventionGenetics, part of Exact Sciences
Classification: Likely benign for CREBBP-related condition. Last evaluated: 2024-05-02. Review status: no assertion criteria provided. Collection method: clinical testing. Allele origin: germline. Not counted in ClinVar's aggregate classification.
Comment: This variant is classified as likely benign based on ACMG/AMP sequence variant interpretation guidelines (Richards et al. 2015 PMID: 25741868, with internal and published modifications).

NM_004380.3(CREBBP):c.1605A>C (p.Gly535=)

Gene: CREBBP (CREB binding lysine acetyltransferase; minus strand). Cytogenetic location: 16p13.3.
Variant type: single nucleotide variant.
Coding change: c.1605A>C on transcript NM_004380.3 (MANE Select); coding-DNA position 1605, A replaced by C.
Protein change: p.Gly535=; no amino-acid change (glycine 535 retained).
Molecular consequence: synonymous variant.
Genome position (GRCh38, 1-based): chr16:3,781,275, T>G on the plus strand (A>C on the coding strand, the complement: CREBBP is on the minus strand). VCF-style: chr16-3781275-T-G. GRCh37 (hg19) VCF-style: chr16-3831276-T-G.
Other names: c.1491A>C, p.Gly497= (NM_001079846.1); c.1605A>C (NM_004380.2).
Identifiers: ClinVar variation 2024414 (VCV002024414.5), dbSNP rs771894829, ClinGen allele CA7870405.
Genomic context (GRCh38, chr16:3,781,275, plus strand): 5'-CAGGGAAGTCGGAAGAGCTGATTCTGAAATCAAGTTTGGGGGCTGCTGATCTGTTGTTAT[T>G]CCTCCTGCTGGAATGTTCATTGGATTATTTCCTTTAAAGACAGAAAAGAAATCAATCAAC-3'
Protein context (NP_004371.2, residues 525-545): GNNPMNIPAG[Gly535=]ITTDQQPPNL